The following is an entry in ClinVar:

NM_207034.3(EDN3):c.208G>A (p.Ala70Thr)

Gene: EDN3 (endothelin 3; plus strand). Cytogenetic location: 20q13.32.
Variant type: single nucleotide variant.
Coding change: c.208G>A on transcript NM_207034.3 (MANE Select); coding-DNA position 208, G replaced by A.
Protein change: p.Ala70Thr; replaces alanine 70 with threonine.
Molecular consequence: missense variant.
Genome position (GRCh38, 1-based): chr20:59,301,565, G>A. VCF-style: chr20-59301565-G-A. GRCh37 (hg19) VCF-style: chr20-57876620-G-A.
Other names: c.208G>A, p.Ala70Thr (NM_207032.3, NM_207033.3, NM_001302455.2 and 1 more transcripts); short protein forms A70T.
Identifiers: ClinVar variation 228661 (VCV000228661.8), dbSNP rs369429604, ClinGen allele CA9930299.

ClinVar aggregate classification (germline): Conflicting classifications of pathogenicity. Review status: criteria provided, conflicting classifications (1 of 4 stars). 3 submissions from 3 submitters: Uncertain significance (2); Likely benign (1). Last evaluated 2024-05-07.

Conditions:
Inborn genetic diseases. Identifiers: MedGen C0950123, MeSH D030342.

Allele frequency attached by ClinVar (database versions not stated): gnomAD exomes 0.00002 and 0.00007; ExAC 0.00008; ESP Exome Variant Server 0.00015; 1000 Genomes Project 30x 0.00016; 1000 Genomes Project 0.00020; TOPMed 0.00029; gnomAD 0.00031 and 0.00033.
gnomAD v4.1: 87 of 1,613,768 alleles (0.0054%); highest among the groups gnomAD compares: African/African-American, 0.096%; no homozygotes.

Submissions (3):

Ambry Genetics
Classification: Uncertain significance for Inborn genetic diseases. Last evaluated: 2024-05-07. Review status: criteria provided, single submitter. Criteria: Ambry Variant Classification Scheme 2023. Collection method: clinical testing. Allele origin: germline.

GeneDx
Classification: Likely benign. Last evaluated: 2021-05-12. Review status: criteria provided, single submitter. Criteria: GeneDx Variant Classification Process June 2021. Collection method: clinical testing. Allele origin: germline. Affected: yes.

Laboratory for Molecular Medicine, Mass General Brigham Personalized Medicine
Classification: Uncertain significance. Last evaluated: 2015-06-08. Review status: criteria provided, single submitter. Criteria: LMM Criteria. Collection method: clinical testing. Allele origin: germline. Observed: 1 variant allele.
Comment: The p.Ala70Thr variant in EDN3 has not been previously reported in individuals w ith hearing loss, but has been identified in 0.1% (8/10138) of African chromosom es by the Exome Aggregation Consortium (ExAC; db SNP rs369429604). Computational prediction tools suggest that this variant may n ot impact the protein, though this information is not predictive enough to rule out pathogenicity. In summary, the clinical significance of the p.Ala70Thr varia nt is uncertain.